The following is an entry in ClinVar:

NM_002439.5(MSH3):c.1252A>T (p.Met418Leu)

Gene: MSH3 (mutS homolog 3; plus strand). Cytogenetic location: 5q14.1.
Variant type: single nucleotide variant.
Coding change: c.1252A>T on transcript NM_002439.5 (MANE Select); coding-DNA position 1252, A replaced by T.
Protein change: p.Met418Leu; replaces methionine 418 with leucine.
Molecular consequence: missense variant.
Genome position (GRCh38, 1-based): chr5:80,679,005, A>T. VCF-style: chr5-80679005-A-T. GRCh37 (hg19) VCF-style: chr5-79974824-A-T.
Other names: c.1252A>T (NM_002439.4); short protein forms M418L.
Identifiers: ClinVar variation 1379167 (VCV001379167.12), dbSNP rs1749904636, ClinGen allele CA360268977.
Genomic context (GRCh38, chr5:80,679,005, plus strand): 5'-GGCGAGGTTGTGTTTGATAGTTTCCAGGACTCTGCTTCTCGTTCAGAGCTAGAAACCCGG[A>T]TGTCAAGCCTGCAGCCAGTAGAGCTGCTGCTTCCTTCGGCCTTGTCCGAGCAAACAGAGG-3'
Protein context (NP_002430.3, residues 408-428): SASRSELETR[Met418Leu]SSLQPVELLL

ClinVar aggregate classification (germline): Uncertain significance. Review status: criteria provided, multiple submitters, no conflicts (2 of 4 stars). 3 submissions from 3 submitters: Uncertain significance (3). Last evaluated 2025-11-18.

Conditions:
Hereditary cancer-predisposing syndrome. Also called: Neoplastic Syndromes, Hereditary; Hereditary Cancer Syndrome; Tumor predisposition; Hereditary neoplastic syndrome. Identifiers: Orphanet 140162, MedGen C0027672, MeSH D009386, MONDO:0015356.
Endometrial carcinoma. Also called: Endometrial carcinoma, somatic. Identifiers: MedGen C0476089, MONDO:0002447, OMIM 608089, HP:0012114.
Familial adenomatous polyposis 4 (FAP4). Also called: MSH3-related attenuated familial adenomatous polyposis. Identifiers: Orphanet 480536, MedGen C4310719, MONDO:0044300, OMIM 617100.

Submissions (3):

Labcorp Genetics (formerly Invitae), Labcorp
Classification: Uncertain significance. Last evaluated: 2025-11-18. Review status: criteria provided, single submitter. Criteria: Invitae Variant Classification Sherloc (09022015). Collection method: clinical testing. Allele origin: germline.
Comment: This sequence change replaces methionine, which is neutral and non-polar, with leucine, which is neutral and non-polar, at codon 418 of the MSH3 protein (p.Met418Leu). This variant is not present in population databases (gnomAD no frequency). This variant has not been reported in the literature in individuals affected with MSH3-related conditions. ClinVar contains an entry for this variant (Variation ID: 1379167). An algorithm developed to predict the effect of missense changes on protein structure and function outputs the following: PolyPhen-2: "Benign". The leucine amino acid residue is found in multiple mammalian species, which suggests that this missense change does not adversely affect protein function. In summary, the available evidence is currently insufficient to determine the role of this variant in disease. Therefore, it has been classified as a Variant of Uncertain Significance.

Department of Pathology and Laboratory Medicine, Sinai Health System
Classification: Uncertain significance for Endometrial carcinoma; Familial adenomatous polyposis 4. Last evaluated: 2024-06-04. Review status: criteria provided, single submitter. Criteria: ACMG Guidelines, 2015. Collection method: clinical testing. Allele origin: germline. Affected: yes.

Ambry Genetics
Classification: Uncertain significance for Hereditary cancer-predisposing syndrome. Last evaluated: 2024-05-19. Review status: criteria provided, single submitter. Criteria: Ambry Variant Classification Scheme 2023. Collection method: clinical testing. Allele origin: germline.
Comment: The p.M418L variant (also known as c.1252A>T), located in coding exon 8 of the MSH3 gene, results from an A to T substitution at nucleotide position 1252. The methionine at codon 418 is replaced by leucine, an amino acid with highly similar properties. This amino acid position is poorly conserved in available vertebrate species. In addition, this alteration is predicted to be tolerated by in silico analysis. Since supporting evidence is limited at this time, the clinical significance of this alteration remains unclear.